The following is an entry in ClinVar:

ClinVar aggregate classification (germline): Uncertain significance. Review status: criteria provided, single submitter (1 of 4 stars). 2 submissions from 2 submitters: Uncertain significance (1). 1 of the submissions does not count toward it. Last evaluated 2024-02-20.

Conditions:
Rubinstein-Taybi syndrome (RSTS). Identifiers: Orphanet 783, MedGen C0035934, MONDO:0019188.
CREBBP-related disorder. Also called: CREBBP-related disorders; CREBBP-related condition.

Submissions (2):

Labcorp Genetics (formerly Invitae), Labcorp
Classification: Uncertain significance for Rubinstein-Taybi syndrome. Last evaluated: 2024-02-20. Review status: criteria provided, single submitter. Criteria: Invitae Variant Classification Sherloc (09022015). Collection method: clinical testing. Allele origin: germline.
Comment: This variant, c.5796_5804del, results in the deletion of 3 amino acid(s) of the CREBBP protein (p.Val1933_Thr1935del), but otherwise preserves the integrity of the reading frame. The frequency data for this variant in the population databases is considered unreliable, as metrics indicate poor data quality at this position in the gnomAD database. This variant has not been reported in the literature in individuals affected with CREBBP-related conditions. Experimental studies and prediction algorithms are not available or were not evaluated, and the functional significance of this variant is currently unknown. In summary, the available evidence is currently insufficient to determine the role of this variant in disease. Therefore, it has been classified as a Variant of Uncertain Significance.

PreventionGenetics, part of Exact Sciences
Classification: Likely benign for CREBBP-related condition. Last evaluated: 2023-12-19. Review status: no assertion criteria provided. Collection method: clinical testing. Allele origin: germline. Not counted in ClinVar's aggregate classification.
Comment: This variant is classified as likely benign based on ACMG/AMP sequence variant interpretation guidelines (Richards et al. 2015 PMID: 25741868, with internal and published modifications).

NM_004380.3(CREBBP):c.5796_5804del (p.Val1933_Thr1935del)

Gene: CREBBP (CREB binding lysine acetyltransferase; minus strand). Cytogenetic location: 16p13.3.
Variant type: Deletion.
Coding change: c.5796_5804del on transcript NM_004380.3 (MANE Select); coding-DNA positions 5796 to 5804, 9 bases deleted (GGTGTCCAC; older notation c.5796_5804delGGTGTCCAC).
Protein change: p.Val1933_Thr1935del.
Molecular consequence: inframe deletion.
Genome position (GRCh38, 1-based): chr16:3,729,243-3,729,251, GTGGACACC deleted on the plus strand (GGTGTCCAC on the coding strand, the reverse complement: CREBBP is on the minus strand); deleting any 9 consecutive bases within chr16:3,729,243-3,729,255 gives the same sequence; the c. name uses the placement nearest the transcript's 3' end. VCF-style (leftmost placement, unchanged base first): chr16-3729242-TGTGGACACC-T. GRCh37 (hg19) VCF-style: chr16-3779243-TGTGGACACC-T.
Other names: c.5682_5690del, p.Val1895_Thr1897del (NM_001079846.1); c.5796_5804del9 (NM_004380.2).
Identifiers: ClinVar variation 2748228 (VCV002748228.4), dbSNP rs1010807816, ClinGen allele CA276972020.